The following is an entry in ClinVar:

NM_005045.4(RELN):c.4654A>G (p.Met1552Val)

Gene: RELN (reelin; minus strand). Cytogenetic location: 7q22.1.
Variant type: single nucleotide variant.
Coding change: c.4654A>G on transcript NM_005045.4 (MANE Select); coding-DNA position 4654, A replaced by G.
Protein change: p.Met1552Val; replaces methionine 1552 with valine.
Molecular consequence: missense variant.
Genome position (GRCh38, 1-based): chr7:103,566,694, T>C on the plus strand (A>G on the coding strand, the complement: RELN is on the minus strand). VCF-style: chr7-103566694-T-C. GRCh37 (hg19) VCF-style: chr7-103207141-T-C.
Other names: c.4654A>G (NM_005045.3); c.4654A>G, p.Met1552Val (NM_173054.3); short protein forms M1552V.
Identifiers: ClinVar variation 1431179 (VCV001431179.32), dbSNP rs558308794, ClinGen allele CA163914698.
Genomic context (GRCh38, chr7:103,566,694, plus strand): 5'-CAGGTGTCTTCGCGTCCTGTGGCAGGTCAATGGAAATGATCTGTGGTTCCAGGAAGGACA[T>C]GAAGTCCAACTCTCGAAGCAAATGCCAGAGTATCCCATTGTCATTTGAATACTGAACAAT-3'
Protein context (NP_005036.2, residues 1542-1562): LWHLLRELDF[Met1552Val]SFLEPQIISI

ClinVar aggregate classification (germline): Conflicting classifications of pathogenicity. Review status: criteria provided, conflicting classifications (1 of 4 stars). 3 submissions from 3 submitters: Uncertain significance (2); Likely benign (1). Last evaluated 2024-09-02.

Conditions:
Familial temporal lobe epilepsy 7. Identifiers: Orphanet 101046, MedGen C4225327, MONDO:0014639, OMIM 616436.
Norman-Roberts syndrome (LIS2). Also called: Lissencephaly 2 (Norman-Roberts type). Identifiers: Orphanet 89844, MedGen C0796089, MONDO:0009760, OMIM 257320.
Inborn genetic diseases. Identifiers: MedGen C0950123, MeSH D030342.

Allele frequency attached by ClinVar (database versions not stated): TOPMed 0.00001; gnomAD 0.00002 and 0.00003.

Submissions (3):

Ambry Genetics
Classification: Uncertain significance for Inborn genetic diseases. Last evaluated: 2024-09-02. Review status: criteria provided, single submitter. Criteria: Ambry Variant Classification Scheme 2023. Collection method: clinical testing. Allele origin: germline.

CeGaT Center for Human Genetics Tuebingen
Classification: Likely benign. Last evaluated: 2023-06-01. Review status: criteria provided, single submitter. Criteria: CeGaT Center For Human Genetics Tuebingen Variant Classification Criteria Version 2. Collection method: clinical testing. Allele origin: germline. Affected: yes. Observed: 1 variant allele.
Comment: RELN: BP4

Labcorp Genetics (formerly Invitae), Labcorp
Classification: Uncertain significance for Familial temporal lobe epilepsy 7; Norman-Roberts syndrome. Last evaluated: 2021-09-01. Review status: criteria provided, single submitter. Criteria: Invitae Variant Classification Sherloc (09022015). Collection method: clinical testing. Allele origin: germline.
Comment: This sequence change replaces methionine with valine at codon 1552 of the RELN protein (p.Met1552Val). The methionine residue is moderately conserved and there is a small physicochemical difference between methionine and valine. This variant is not present in population databases (ExAC no frequency). This variant has not been reported in the literature in individuals affected with RELN-related conditions. Algorithms developed to predict the effect of missense changes on protein structure and function (SIFT, PolyPhen-2, Align-GVGD) all suggest that this variant is likely to be tolerated. In summary, the available evidence is currently insufficient to determine the role of this variant in disease. Therefore, it has been classified as a Variant of Uncertain Significance.